The following is an entry in ClinVar:

ClinVar aggregate classification (germline): Uncertain significance (1 of 4 stars; one submission).

Conditions:
Neurodevelopmental disorder with hypotonia, brain anomalies, distinctive facies, and absent language. Also called: ReNU SYNDROME; RNU4-2-Related Neurodevelopmental Disorder; RNU4-2–Related Autosomal Dominant Neurodevelopmental Disorder. Identifiers: Orphanet 686488, MedGen C5935628, MONDO:0971172, OMIM 620851.

gnomAD v4.1: 1 of 152,138 alleles (0.00066%); highest among the groups gnomAD compares: South Asian, 0.021%; no homozygotes.

Submission:

Centre for Population Genomics, CPG
Classification: Uncertain significance for RNU4-2-Related Neurodevelopmental Disorder. Last evaluated: 2026-02-11. Review status: criteria provided, single submitter. Criteria: Ellingford et al. (Genome Med. 2022). Collection method: research. Allele origin: germline. Inheritance: Autosomal recessive inheritance. Affected: yes. Observed: 1 variant allele, 1 compound heterozygote.
Comment: PM2_supp,PS3_supp,PM1

NR_003137.3(RNU4-2):n.33A>G

Genes: RNU4-2 (RNA, U4 small nuclear 2; minus strand), SIRT4 (sirtuin 4; plus strand). Cytogenetic location: 12q24.23.
Variant type: single nucleotide variant.
Molecular consequence: non-coding transcript variant (on NR_003137.3).
Genome position: GRCh38 VCF-style: chr12-120291871-T-C. GRCh37 (hg19) VCF-style: chr12-120729674-T-C.
Identifiers: ClinVar variation 4795815 (VCV004795815.1).